The following is an entry in ClinVar:

ClinVar aggregate classification (germline): Likely benign. Review status: criteria provided, multiple submitters, no conflicts (2 of 4 stars). 3 submissions from 3 submitters: Likely benign (3). Last evaluated 2024-01-08.

Conditions:
Arrhythmogenic cardiomyopathy with wooly hair and keratoderma. Also called: Carvajal syndrome; Arrhythmogenic cardiomyopathy with woolly hair and keratoderma; PALMOPLANTAR KERATODERMA WITH LEFT VENTRICULAR CARDIOMYOPATHY AND WOOLLY HAIR; Dilated cardiomyopathy with woolly hair and keratoderma. Identifiers: Orphanet 65282, MedGen C1854063, MONDO:0011581, OMIM 605676.
Arrhythmogenic right ventricular dysplasia 8 (ARVD8). Also called: Arrhythmogenic Right Ventricular Dysplasia/Cardiomyopathy 8; ARRHYTHMOGENIC RIGHT VENTRICULAR DYSPLASIA, FAMILIAL, 8; ARRHYTHMOGENIC RIGHT VENTRICULAR CARDIOMYOPATHY 8. Identifiers: MedGen C1843896, MONDO:0011831, OMIM 607450.
Cardiomyopathy (CMYO). Also called: Cardiomyopathies. Identifiers: Orphanet 167848, MedGen C0878544, MONDO:0004994, HP:0001638. Inheritance: Various modes of inheritance.

Submissions (3):

All of Us Research Program, National Institutes of Health
Classification: Likely benign for Arrhythmogenic cardiomyopathy with wooly hair and keratoderma. Last evaluated: 2024-01-08. Review status: criteria provided, single submitter. Criteria: ACMG Guidelines, 2015. Collection method: clinical testing. Allele origin: germline. Inheritance: Autosomal dominant inheritance. Observed: 2 variant alleles, 2 heterozygotes.
Comment: This study involves interpretation of variants in research participants for the purpose of population health screening. Participant phenotype was not available at the time of variant classification. Additional details can be found in publication PMID: 35346344, PMCID: PMC8962531

Color Diagnostics, LLC DBA Color Health
Classification: Likely benign for Cardiomyopathy. Last evaluated: 2019-07-26. Review status: criteria provided, single submitter. Criteria: ACMG Guidelines, 2015. Collection method: clinical testing. Allele origin: germline.

Labcorp Genetics (formerly Invitae), Labcorp
Classification: Likely benign for Arrhythmogenic cardiomyopathy with wooly hair and keratoderma; Arrhythmogenic right ventricular dysplasia 8. Last evaluated: 2018-06-10. Review status: criteria provided, single submitter. Criteria: Invitae Variant Classification Sherloc (09022015). Collection method: clinical testing. Allele origin: germline.

NM_004415.4(DSP):c.8418C>A (p.Ala2806=)

Gene: DSP (desmoplakin; plus strand). Cytogenetic location: 6p24.3.
Variant type: single nucleotide variant.
Coding change: c.8418C>A on transcript NM_004415.4 (MANE Select); coding-DNA position 8418, C replaced by A.
Protein change: p.Ala2806=; no amino-acid change (alanine 2806 retained).
Molecular consequence: synonymous variant.
Genome position (GRCh38, 1-based): chr6:7,585,680, C>A. VCF-style: chr6-7585680-C-A. GRCh37 (hg19) VCF-style: chr6-7585913-C-A.
Other names: c.6621C>A, p.Ala2207= (NM_001008844.3); c.7089C>A, p.Ala2363= (NM_001319034.2).
Identifiers: ClinVar variation 753005 (VCV000753005.9), dbSNP rs1581826536, ClinGen allele CA448717173.
Genomic context (GRCh38, chr6:7,585,680, plus strand): 5'-GGATGCCATAAATCGCTCCATGGTAGAAGATATCACTGGGCTGCGCCTTCTGGAAGCCGC[C>A]TCCGTGTCGTCCAAGGGCTTACCCAGCCCTTACAACATGTCTTCGGCTCCGGGGTCCCGC-3'
Protein context (NP_004406.2, residues 2796-2816): DITGLRLLEA[Ala2806=]SVSSKGLPSP